The following is an entry in ClinVar:

NM_001606.5(ABCA2):c.6175-25G>A

Gene: ABCA2 (ATP binding cassette subfamily A member 2; minus strand). Cytogenetic location: 9q34.3.
Variant type: single nucleotide variant.
Coding change: c.6175-25G>A on transcript NM_001606.5 (MANE Select); 25 bases into the intron before coding-DNA position 6175, G replaced by A.
Molecular consequence: intron variant.
Genome position (GRCh38, 1-based): chr9:137,010,396, C>T on the plus strand (G>A on the coding strand, the complement: ABCA2 is on the minus strand). VCF-style: chr9-137010396-C-T. GRCh37 (hg19) VCF-style: chr9-139904848-C-T.
Other names: c.6265-25G>A (NM_212533.3); c.6172-25G>A (NM_001411042.1).
Identifiers: ClinVar variation 5007424 (VCV005007424.2).

ClinVar aggregate classification (germline): Uncertain significance (1 of 4 stars; one submission).

Conditions:
Intellectual developmental disorder with poor growth and with or without seizures or ataxia. Identifiers: MedGen C5394135, MONDO:0032930, OMIM 618808.

gnomAD v4.1: 58 of 1,552,954 alleles (0.0037%); highest among the groups gnomAD compares: South Asian, 0.0095%; no homozygotes.

Submission:

Juno Genomics, Hangzhou Juno Genomics, Inc
Classification: Uncertain significance for Intellectual developmental disorder with poor growth and with or without seizures or ataxia. Review status: criteria provided, single submitter. Criteria: ACMG Guidelines, 2015. Collection method: clinical testing. Allele origin: germline.
Comment: Absent from controls (or at extremely low frequency if recessive) in Genome Aggregation Database.;Multiple lines of computational evidence support a deleterious effect on the gene or gene product.